The following is an entry in ClinVar:

NM_000051.4(ATM):c.946T>A (p.Tyr316Asn)

Gene: ATM (ATM serine/threonine kinase; plus strand). Cytogenetic location: 11q22.3.
Variant type: single nucleotide variant.
Coding change: c.946T>A on transcript NM_000051.4 (MANE Select); coding-DNA position 946, T replaced by A.
Protein change: p.Tyr316Asn; replaces tyrosine 316 with asparagine.
Molecular consequence: missense variant.
Genome position (GRCh38, 1-based): chr11:108,247,008, T>A. VCF-style: chr11-108247008-T-A. GRCh37 (hg19) VCF-style: chr11-108117735-T-A.
Other names: c.946T>A, p.Tyr316Asn (NM_001351834.2); short protein forms Y316N.
Identifiers: ClinVar variation 407575 (VCV000407575.14), dbSNP rs142317485, ClinGen allele CA16612976.

ClinVar aggregate classification (germline): Uncertain significance. Review status: criteria provided, multiple submitters, no conflicts (2 of 4 stars). 4 submissions from 4 submitters: Uncertain significance (3). 1 of the submissions does not count toward it. Last evaluated 2025-07-02.

Conditions:
Hereditary cancer-predisposing syndrome. Also called: Hereditary neoplastic syndrome; Neoplastic Syndromes, Hereditary; Tumor predisposition; Hereditary Cancer Syndrome. Identifiers: Orphanet 140162, MedGen C0027672, MeSH D009386, MONDO:0015356.
Ataxia-telangiectasia syndrome (AT). Also called: Ataxia telangiectasia (A-T); LOUIS-BAR SYNDROME; Cerebello-oculocutaneous telangiectasia; Immunodeficiency with ataxia telangiectasia; Ataxia-telangiectasia, complementation group D; AT, COMPLEMENTATION GROUP C. Identifiers: Orphanet 100, MedGen C0004135, MONDO:0008840, OMIM 208900.

Submissions (4):

Labcorp Genetics (formerly Invitae), Labcorp
Classification: Uncertain significance for Ataxia-telangiectasia syndrome. Last evaluated: 2025-07-02. Review status: criteria provided, single submitter. Criteria: Invitae Variant Classification Sherloc (09022015). Collection method: clinical testing. Allele origin: germline.
Comment: This sequence change replaces tyrosine, which is neutral and polar, with asparagine, which is neutral and polar, at codon 316 of the ATM protein (p.Tyr316Asn). This variant is not present in population databases (gnomAD no frequency). This variant has not been reported in the literature in individuals affected with ATM-related conditions. ClinVar contains an entry for this variant (Variation ID: 407575). Invitae Evidence Modeling of protein sequence and biophysical properties (such as structural, functional, and spatial information, amino acid conservation, physicochemical variation, residue mobility, and thermodynamic stability) has been performed for this missense variant. However, the output from this modeling did not meet the statistical confidence thresholds required to predict the impact of this variant on ATM protein function. In summary, the available evidence is currently insufficient to determine the role of this variant in disease. Therefore, it has been classified as a Variant of Uncertain Significance.

Ambry Genetics
Classification: Uncertain significance for Hereditary cancer-predisposing syndrome. Last evaluated: 2024-06-14. Review status: criteria provided, single submitter. Criteria: Ambry Variant Classification Scheme 2023. Collection method: clinical testing. Allele origin: germline.
Comment: The p.Y316N variant (also known as c.946T>A), located in coding exon 7 of the ATM gene, results from a T to A substitution at nucleotide position 946. The tyrosine at codon 316 is replaced by asparagine, an amino acid with dissimilar properties. This amino acid position is highly conserved in available vertebrate species. In addition, this alteration is predicted to be deleterious by in silico analysis. Based on the available evidence, the clinical significance of this variant remains unclear.

Color Diagnostics, LLC DBA Color Health
Classification: Uncertain significance for Hereditary cancer-predisposing syndrome. Last evaluated: 2019-12-05. Review status: criteria provided, single submitter. Criteria: ACMG Guidelines, 2015. Collection method: clinical testing. Allele origin: germline.
Comment: This missense variant replaces tyrosine with asparagine at codon 316 of the ATM protein. Computational prediction is inconclusive regarding the impact of this variant on protein structure and function (internally defined REVEL score threshold 0.5 < inconclusive < 0.7, PMID: 27666373). Splice site prediction tools suggest that this variant may not impact RNA splicing. To our knowledge, functional studies have not been performed for this variant. This variant has not been reported in individuals affected with hereditary cancer in the literature. This variant has not been identified in the general population by the Genome Aggregation Database (gnomAD). The available evidence is insufficient to determine the role of this variant in disease conclusively. Therefore, this variant is classified as a Variant of Uncertain Significance.

Natera, Inc.
Classification: Uncertain significance for Ataxia-telangiectasia. Last evaluated: 2020-03-11. Review status: no assertion criteria provided. Collection method: clinical testing. Allele origin: germline. Not counted in ClinVar's aggregate classification.